The following is an entry in ClinVar:

NM_001009944.3(PKD1):c.11606T>G (p.Leu3869Arg)

Genes: PKD1 (polycystin 1, transient receptor potential channel interacting; minus strand), PKD1-AS1 (PKD1 antisense RNA 1; plus strand). Cytogenetic location: 16p13.3.
Variant type: single nucleotide variant.
Coding change: c.11606T>G on transcript NM_001009944.3 (MANE Select); coding-DNA position 11606, T replaced by G.
Protein change: p.Leu3869Arg; replaces leucine 3869 with arginine.
Molecular consequence: missense variant. On other transcripts: non-coding transcript variant (1).
Genome position (GRCh38, 1-based): chr16:2,091,529, A>C on the plus strand (T>G on the coding strand, the complement: PKD1 is on the minus strand). VCF-style: chr16-2091529-A-C. GRCh37 (hg19) VCF-style: chr16-2141530-A-C.
Other names: c.11603T>G, p.Leu3868Arg (NM_000296.4); short protein forms L3868R, L3869R.
Identifiers: ClinVar variation 1302508 (VCV001302508.7), dbSNP rs1555445569, ClinGen allele CA394331848.

ClinVar aggregate classification (germline): Conflicting classifications of pathogenicity. Review status: criteria provided, conflicting classifications (1 of 4 stars). 3 submissions from 3 submitters: Likely pathogenic (2); Uncertain significance (1). Last evaluated 2026-06-08.

Conditions:
Polycystic kidney disease, adult type (PKD1). Also called: Polycystic Kidney Disease 1, Autosomal Dominant; Polycystic kidney disease 1; Polycystic kidney disease 1, severe; POLYCYSTIC KIDNEY DISEASE 1 WITH OR WITHOUT POLYCYSTIC LIVER DISEASE; POLYCYSTIC KIDNEY DISEASE, ADULT, TYPE I; Polycystic Kidney, Autosomal Dominant. Identifiers: MedGen C3149841, MONDO:0008263, OMIM 173900.

Submissions (3):

Women's Health and Genetics/Laboratory Corporation of America, LabCorp
Classification: Uncertain significance. Last evaluated: 2026-06-08. Review status: criteria provided, single submitter. Criteria: LabCorp Variant Classification Summary - May 2015. Collection method: clinical testing. Allele origin: germline.
Comment: Variant summary: PKD1 c.11606T>G (p.Leu3869Arg) results in a non-conservative amino acid change in the encoded protein sequence. Algorithms developed to predict the effect of missense changes on protein structure and function all suggest that this variant is likely to be disruptive. The variant was absent in 128568 control chromosomes. The available data on variant occurrences in the general population are insufficient to allow any conclusion about variant significance. To our knowledge, no occurrence of c.11606T>G in individuals affected with PKD1-related conditions and no experimental evidence demonstrating its impact on protein function have been reported. ClinVar contains an entry for this variant (Variation ID: 1302508). Based on the evidence outlined above, the variant was classified as uncertain significance.

Fulgent Genetics
Classification: Likely pathogenic for Polycystic kidney disease, adult type. Last evaluated: 2024-03-05. Review status: criteria provided, single submitter. Criteria: ACMG Guidelines, 2015. Collection method: clinical testing. Allele origin: germline.

GeneDx
Classification: Likely pathogenic. Last evaluated: 2023-11-01. Review status: criteria provided, single submitter. Criteria: GeneDx Variant Classification Process June 2021. Collection method: clinical testing. Allele origin: germline. Affected: yes.
Comment: Not observed at significant frequency in large population cohorts (gnomAD); In silico analysis supports that this missense variant has a deleterious effect on protein structure/function; Has not been previously published as pathogenic or benign to our knowledge